The following is an entry in ClinVar:

NM_004183.4(BEST1):c.5C>G (p.Thr2Ser)

Gene: BEST1 (bestrophin 1; plus strand). Cytogenetic location: 11q12.3.
Variant type: single nucleotide variant.
Coding change: c.5C>G on transcript NM_004183.4 (MANE Select); coding-DNA position 5, C replaced by G.
Protein change: p.Thr2Ser; replaces threonine 2 with serine.
Molecular consequence: missense variant. On other transcripts: non-coding transcript variant (1), intron variant (6).
Genome position (GRCh38, 1-based): chr11:61,951,811, C>G. VCF-style: chr11-61951811-C-G. GRCh37 (hg19) VCF-style: chr11-61719283-C-G.
Other names: c.5C>G, p.Thr2Ser (NM_001363592.2, NM_001440571.1, NM_001440572.1 and 1 more transcripts); c.-29+1384C>G (NM_001139443.3, NM_001300787.2, NM_001440574.1 and 3 more transcripts); short protein forms T2S.
Identifiers: ClinVar variation 866344 (VCV000866344.8), dbSNP rs1209208472, ClinGen allele CA380830817.
Genomic context (GRCh38, chr11:61,951,811, plus strand): 5'-TCGGTGTCCCTCTCTACCAGGACCCAAGCCCACCTGCTGCAGCCCACTGCCTGGCCATGA[C>G]CATCACTTACACAAGCCAAGTGGCTAATGCCCGCTTAGGCTCCTTCTCCCGCCTGCTGCT-3'
Protein context (NP_004174.1, residues 1-12): M[Thr2Ser]ITYTSQVANA

ClinVar aggregate classification (germline): Pathogenic/Likely pathogenic. Review status: criteria provided, multiple submitters, no conflicts (2 of 4 stars). 2 submissions from 2 submitters: Pathogenic (1); Likely pathogenic (1). Last evaluated 2024-11-05.

Conditions:
BEST1-related disorder. Also called: BEST1-related condition; BEST1-related disorders. Identifiers: MedGen CN239200.

Allele frequency attached by ClinVar (database versions not stated): TOPMed below 0.00001; gnomAD 0.00001.
gnomAD v4.1: 1 of 1,612,394 alleles (0.000062%); highest among the groups gnomAD compares: Non-Finnish European, 0.000085%; no homozygotes.

Submissions (2):

Labcorp Genetics (formerly Invitae), Labcorp
Classification: Pathogenic. Last evaluated: 2024-11-05. Review status: criteria provided, single submitter. Criteria: Invitae Variant Classification Sherloc (09022015). Collection method: clinical testing. Allele origin: germline.
Comment: This sequence change replaces threonine, which is neutral and polar, with serine, which is neutral and polar, at codon 2 of the BEST1 protein (p.Thr2Ser). This variant is not present in population databases (gnomAD no frequency). This missense change has been observed in individuals with autosomal dominant Best vitelliform macular dystrophy (PMID: 29781975, 31519547, 32239196). It has also been observed to segregate with disease in related individuals. ClinVar contains an entry for this variant (Variation ID: 866344). Invitae Evidence Modeling of protein sequence and biophysical properties (such as structural, functional, and spatial information, amino acid conservation, physicochemical variation, residue mobility, and thermodynamic stability) indicates that this missense variant is expected to disrupt BEST1 protein function with a positive predictive value of 95%. For these reasons, this variant has been classified as Pathogenic.

Blueprint Genetics
Classification: Likely pathogenic for BEST1-related disorders. Last evaluated: 2021-06-29. Review status: criteria provided, single submitter. Criteria: ACMG Guidelines, 2015. Collection method: clinical testing. Allele origin: germline. Affected: yes. Observed: 2 variant alleles.

Literature cited by the submitters: PubMed 29781975 (cited by Labcorp Genetics (formerly Invitae), Labcorp); PubMed 31519547 (cited by Labcorp Genetics (formerly Invitae), Labcorp); PubMed 32239196 (cited by Labcorp Genetics (formerly Invitae), Labcorp).